The following is an entry in ClinVar:

ClinVar aggregate classification (germline): Pathogenic (1 of 4 stars; one submission).

Conditions:
Maple syrup urine disease type 1A (MSUD1A). Also called: MSUD type 1A. Identifiers: MedGen C1855369, MONDO:0023691, OMIM 248600.

Submission:

Myriad Genetics, Inc.
Classification: Pathogenic for Maple syrup urine disease type 1A. Last evaluated: 2025-08-23. Review status: criteria provided, single submitter. Criteria: Myriad Autosomal Dominant, Autosomal Recessive and X-Linked Classification Criteria (2023). Collection method: clinical testing. Allele origin: unknown.
Comment: NM_000709.3(BCKDHA):c.263delT(I88Tfs*16) is expected to be pathogenic in the context of maple syrup urine disease type Ia. This variant is predicted to lead to an abnormal or absent protein product due to the creation of a premature termination codon in BCKDHA, a gene where loss-of-function variants are known to be pathogenic. Please note: this variant was assessed in the context of healthy population screening.

NM_000709.4(BCKDHA):c.263del (p.Ile88fs)

Gene: BCKDHA (branched chain keto acid dehydrogenase E1 subunit alpha; plus strand). Cytogenetic location: 19q13.2.
Variant type: Deletion.
Coding change: c.263del on transcript NM_000709.4 (MANE Select); coding-DNA position 263, one base deleted (T; older notation c.263delT).
Protein change: p.Ile88fs; shifts the reading frame from isoleucine 88.
Molecular consequence: frameshift variant.
Genome position (GRCh38, 1-based): chr19:41,410,791, T deleted. VCF-style (leftmost placement, unchanged base first): chr19-41410790-AT-A. GRCh37 (hg19) VCF-style: chr19-41916695-AT-A.
Other names: c.263del, p.Ile88fs (NM_001164783.2); short protein forms I88fs.
Identifiers: ClinVar variation 5014901 (VCV005014901.1).